The following is an entry in ClinVar:

ClinVar aggregate classification (germline): Uncertain significance (1 of 4 stars; one submission).

Allele frequency attached by ClinVar (database versions not stated): gnomAD 0.00001; TOPMed below 0.00001.
gnomAD v4.1: 1 of 1,613,396 alleles (0.000062%); highest among the groups gnomAD compares: Non-Finnish European, 0.000085%; no homozygotes.

Submission:

GeneDx
Classification: Uncertain significance. Last evaluated: 2026-09-04. Review status: criteria provided, single submitter. Criteria: GeneDx Variant Classification Process June 2021. Collection method: clinical testing. Allele origin: germline.
Comment: Not observed at significant frequency in large population cohorts (gnomAD); In silico analysis supports that this missense variant has a deleterious effect on protein structure/function; Has not been previously published as pathogenic or benign to our knowledge

NM_015335.5(MED13L):c.1169A>T (p.Gln390Leu)

Gene: MED13L (mediator complex subunit 13L; minus strand). Cytogenetic location: 12q24.21.
Variant type: single nucleotide variant.
Coding change: c.1169A>T on transcript NM_015335.5 (MANE Select); coding-DNA position 1169, A replaced by T.
Protein change: p.Gln390Leu; replaces glutamine 390 with leucine.
Molecular consequence: missense variant.
Genome position (GRCh38, 1-based): chr12:116,015,115, T>A on the plus strand (A>T on the coding strand, the complement: MED13L is on the minus strand). VCF-style: chr12-116015115-T-A. GRCh37 (hg19) VCF-style: chr12-116452920-T-A.
Other names: short protein forms Q390L.
Identifiers: ClinVar variation 1806563 (VCV001806563.4), dbSNP rs1213206833, ClinGen allele CA386898424.
Genomic context (GRCh38, chr12:116,015,115, plus strand): 5'-CAATCAAGGAGATGGTTACTAAACTATGATCTAGACATAATCGAGAAAACTTACTTGGAC[T>A]GGGTTCTGTTGAGGATGCATTCCTTCCAGACTCGATGGACCATATGATTGTGGAGTTTTG-3'
Protein context (NP_056150.1, residues 380-400): VWKECILNRT[Gln390Leu]SKRSQMSTPT